The following is an entry in ClinVar:

NM_182961.4(SYNE1):c.13537C>G (p.Leu4513Val)

Gene: SYNE1 (spectrin repeat containing nuclear envelope protein 1; minus strand). Cytogenetic location: 6q25.2.
Variant type: single nucleotide variant.
Coding change: c.13537C>G on transcript NM_182961.4 (MANE Select); coding-DNA position 13537, C replaced by G.
Protein change: p.Leu4513Val; replaces leucine 4513 with valine.
Molecular consequence: missense variant.
Genome position (GRCh38, 1-based): chr6:152,331,148, G>C on the plus strand (C>G on the coding strand, the complement: SYNE1 is on the minus strand). VCF-style: chr6-152331148-G-C. GRCh37 (hg19) VCF-style: chr6-152652283-G-C.
Other names: c.13324C>G, p.Leu4442Val (NM_033071.5); short protein forms L4442V, L4513V.
Identifiers: ClinVar variation 2050879 (VCV002050879.7), dbSNP rs762542391, ClinGen allele CA150177581.

ClinVar aggregate classification (germline): Uncertain significance. Review status: criteria provided, multiple submitters, no conflicts (2 of 4 stars). 3 submissions from 3 submitters: Uncertain significance (3). Last evaluated 2023-04-07.

Conditions:
Emery-Dreifuss muscular dystrophy 4, autosomal dominant (EDMD4). Also called: EMERY-DREIFUSS MUSCULAR DYSTROPHY 4 WITH VARIABLE FEATURES. Identifiers: Orphanet 261, MedGen C2751807, MONDO:0013071, OMIM 612998.
Autosomal recessive ataxia, Beauce type. Also called: SYNE1 Deficiency; Spinocerebellar ataxia, autosomal recessive 8; ATAXIA, RECESSIVE, OF BEAUCE; SYNE1-Related Autosomal Recessive Cerebellar Ataxia. Identifiers: Orphanet 88644, MedGen C1853116, MONDO:0012549, OMIM 610743.

Allele frequency attached by ClinVar (database versions not stated): TOPMed 0.00002; gnomAD exomes 0.00004.
gnomAD v4.1: 55 of 1,614,076 alleles (0.0034%); highest among the groups gnomAD compares: Non-Finnish European, 0.0046%; no homozygotes.

Submissions (3):

GeneDx
Classification: Uncertain significance. Last evaluated: 2023-04-07. Review status: criteria provided, single submitter. Criteria: GeneDx Variant Classification Process June 2021. Collection method: clinical testing. Allele origin: germline. Affected: yes.
Comment: Not observed at significant frequency in large population cohorts (gnomAD); In silico analysis supports that this missense variant does not alter protein structure/function; Has not been previously published as pathogenic or benign to our knowledge

Revvity Omics, Revvity
Classification: Uncertain significance. Last evaluated: 2023-03-27. Review status: criteria provided, single submitter. Criteria: ACMG Guidelines, 2015. Collection method: clinical testing. Allele origin: germline.

Labcorp Genetics (formerly Invitae), Labcorp
Classification: Uncertain significance for Emery-Dreifuss muscular dystrophy 4, autosomal dominant; Autosomal recessive ataxia, Beauce type. Last evaluated: 2021-12-23. Review status: criteria provided, single submitter. Criteria: Invitae Variant Classification Sherloc (09022015). Collection method: clinical testing. Allele origin: germline.
Comment: In summary, the available evidence is currently insufficient to determine the role of this variant in disease. Therefore, it has been classified as a Variant of Uncertain Significance. Algorithms developed to predict the effect of missense changes on protein structure and function (SIFT, PolyPhen-2, Align-GVGD) all suggest that this variant is likely to be disruptive. This variant has not been reported in the literature in individuals affected with SYNE1-related conditions. This variant is not present in population databases (gnomAD no frequency). This sequence change replaces leucine, which is neutral and non-polar, with valine, which is neutral and non-polar, at codon 4442 of the SYNE1 protein (p.Leu4442Val).